The following is an entry in ClinVar:

NM_014263.4(YME1L1):c.40G>T (p.Val14Phe)

Gene: YME1L1 (YME1 like 1 ATPase; minus strand). Cytogenetic location: 10p12.1.
Variant type: single nucleotide variant.
Coding change: c.40G>T on transcript NM_014263.4 (MANE Select); coding-DNA position 40, G replaced by T.
Protein change: p.Val14Phe; replaces valine 14 with phenylalanine.
Molecular consequence: missense variant.
Genome position (GRCh38, 1-based): chr10:27,149,034, C>A on the plus strand (G>T on the coding strand, the complement: YME1L1 is on the minus strand). VCF-style: chr10-27149034-C-A. GRCh37 (hg19) VCF-style: chr10-27437963-C-A.
Other names: c.40G>T, p.Val14Phe (NM_001253866.2, NM_139312.3); short protein forms V14F.
Identifiers: ClinVar variation 1943127 (VCV001943127.5), dbSNP rs1048246615, ClinGen allele CA204441848.

ClinVar aggregate classification (germline): Uncertain significance (1 of 4 stars; one submission).

Submission:

Labcorp Genetics (formerly Invitae), Labcorp
Classification: Uncertain significance. Last evaluated: 2023-07-17. Review status: criteria provided, single submitter. Criteria: Invitae Variant Classification Sherloc (09022015). Collection method: clinical testing. Allele origin: germline.
Comment: In summary, the available evidence is currently insufficient to determine the role of this variant in disease. Therefore, it has been classified as a Variant of Uncertain Significance. An algorithm developed to predict the effect of missense changes on protein structure and function (PolyPhen-2) suggests that this variant is likely to be tolerated. ClinVar contains an entry for this variant (Variation ID: 1943127). This variant has not been reported in the literature in individuals affected with YME1L1-related conditions. This variant is not present in population databases (gnomAD no frequency). This sequence change replaces valine, which is neutral and non-polar, with phenylalanine, which is neutral and non-polar, at codon 14 of the YME1L1 protein (p.Val14Phe).